The following is an entry in ClinVar:

ClinVar aggregate classification (germline): Likely pathogenic (1 of 4 stars; one submission).

Submission:

CeGaT Center for Human Genetics Tuebingen
Classification: Likely pathogenic. Last evaluated: 2026-02-01. Review status: criteria provided, single submitter. Criteria: CeGaT Center For Human Genetics Tuebingen Variant Classification Criteria Version 2. Collection method: clinical testing. Allele origin: germline. Affected: yes. Observed: 1 variant allele.
Comment: FRYL: PVS1:Strong, PM2

NM_015030.2(FRYL):c.2721+2T>G

Gene: FRYL (FRY like transcription coactivator; minus strand). Cytogenetic location: 4p11.
Variant type: single nucleotide variant.
Coding change: c.2721+2T>G on transcript NM_015030.2 (MANE Select); the canonical splice donor site of the intron after coding-DNA position 2721, T replaced by G.
Molecular consequence: splice donor variant.
Genome position (GRCh38, 1-based): chr4:48,576,028, A>C on the plus strand (T>G on the coding strand, the complement: FRYL is on the minus strand). VCF-style: chr4-48576028-A-C. GRCh37 (hg19) VCF-style: chr4-48578045-A-C.
Identifiers: ClinVar variation 4823309 (VCV004823309.4).
Genomic context (GRCh38, chr4:48,576,028, plus strand): 5'-AATCTTATTTTTATGGGGCCATTCAGATTTCATATATCCAACAGTGGATCTGAGAAACTT[A>C]CTTTAGAATCAATGCTATAGCCGCTATCTGGGGTAGACGCCAGCGTCTCAGGAGGAGAAC-3'